The following is an entry in ClinVar:

ClinVar aggregate classification (germline): Likely benign (1 of 4 stars; one submission).

Submission:

CeGaT Center for Human Genetics Tuebingen
Classification: Likely benign. Last evaluated: 2026-04-01. Review status: criteria provided, single submitter. Criteria: CeGaT Center For Human Genetics Tuebingen Variant Classification Criteria Version 2. Collection method: clinical testing. Allele origin: germline. Affected: yes. Observed: 1 variant allele.
Comment: PEX2: PM2:Supporting, BP4, BP7

NM_000318.3(PEX2):c.150T>A (p.Ala50=)

Gene: PEX2 (peroxisomal biogenesis factor 2; minus strand). Cytogenetic location: 8q21.13.
Variant type: single nucleotide variant.
Coding change: c.150T>A on transcript NM_000318.3 (MANE Select); coding-DNA position 150, T replaced by A.
Protein change: p.Ala50=; no amino-acid change (alanine 50 retained).
Molecular consequence: synonymous variant.
Genome position (GRCh38, 1-based): chr8:76,984,029, A>T on the plus strand (T>A on the coding strand, the complement: PEX2 is on the minus strand). VCF-style: chr8-76984029-A-T. GRCh37 (hg19) VCF-style: chr8-77896265-A-T.
Other names: c.150T>A, p.Ala50= (NM_001079867.2, NM_001172086.2, NM_001172087.2).
Identifiers: ClinVar variation 4873178 (VCV004873178.2).